The following is an entry in ClinVar:

NM_006306.4(SMC1A):c.1084G>A (p.Gly362Ser)

Gene: SMC1A (structural maintenance of chromosomes 1A; minus strand). Cytogenetic location: Xp11.22.
Variant type: single nucleotide variant.
Coding change: c.1084G>A on transcript NM_006306.4 (MANE Select); coding-DNA position 1084, G replaced by A.
Protein change: p.Gly362Ser; replaces glycine 362 with serine.
Molecular consequence: missense variant.
Genome position (GRCh38, 1-based): chrX:53,412,024, C>T on the plus strand (G>A on the coding strand, the complement: SMC1A is on the minus strand). VCF-style: chrX-53412024-C-T. GRCh37 (hg19) VCF-style: chrX-53438974-C-T.
Other names: c.1018G>A, p.Gly340Ser (NM_001281463.1); short protein forms G340S, G362S.
Identifiers: ClinVar variation 2430921 (VCV002430921.1), dbSNP rs2520957067, ClinGen allele CA413257112.
Genomic context (GRCh38, chrX:53,412,024, plus strand): 5'-CTCCTCCCTGCCAACCCCTTCCAGAGCTTACCTGATTCTCCTCCAACGTCAAATCTCTGC[C>T]CTGACTCTGACTCTCTTCTTCCATCCGTTCTTCAAACTCCTGCCGAGCCTTCTCCACTGA-3'
Protein context (NP_006297.2, residues 352-372): ERMEEESQSQ[Gly362Ser]RDLTLEENQV

ClinVar aggregate classification (germline): Uncertain significance (1 of 4 stars; one submission).

Submission:

GeneDx
Classification: Uncertain significance. Last evaluated: 2022-08-14. Review status: criteria provided, single submitter. Criteria: GeneDx Variant Classification Process June 2021. Collection method: clinical testing. Allele origin: germline. Affected: yes.
Comment: Not observed at significant frequency in large population cohorts (gnomAD); Missense variants in this gene are often considered pathogenic (HGMD); In silico analysis supports that this missense variant has a deleterious effect on protein structure/function; Has not been previously published as pathogenic or benign to our knowledge